The following is an entry in ClinVar:

NM_006445.4(PRPF8):c.4338+6T>A

Gene: PRPF8 (pre-mRNA processing factor 8; minus strand). Cytogenetic location: 17p13.3.
Variant type: single nucleotide variant.
Coding change: c.4338+6T>A on transcript NM_006445.4 (MANE Select); 6 bases into the intron after coding-DNA position 4338, T replaced by A.
Molecular consequence: intron variant.
Genome position (GRCh38, 1-based): chr17:1,661,265, A>T on the plus strand (T>A on the coding strand, the complement: PRPF8 is on the minus strand). VCF-style: chr17-1661265-A-T. GRCh37 (hg19) VCF-style: chr17-1564559-A-T.
Identifiers: ClinVar variation 1504181 (VCV001504181.6), dbSNP rs1240784041, ClinGen allele CA2573152972.

ClinVar aggregate classification (germline): Uncertain significance (1 of 4 stars; one submission).

Submission:

Labcorp Genetics (formerly Invitae), Labcorp
Classification: Uncertain significance. Last evaluated: 2024-02-24. Review status: criteria provided, single submitter. Criteria: Invitae Variant Classification Sherloc (09022015). Collection method: clinical testing. Allele origin: germline.
Comment: This sequence change falls in intron 27 of the PRPF8 gene. It does not directly change the encoded amino acid sequence of the PRPF8 protein. It affects a nucleotide within the consensus splice site. This variant is not present in population databases (gnomAD no frequency). This variant has not been reported in the literature in individuals affected with PRPF8-related conditions. ClinVar contains an entry for this variant (Variation ID: 1504181). Variants that disrupt the consensus splice site are a relatively common cause of aberrant splicing (PMID: 17576681, 9536098). Algorithms developed to predict the effect of sequence changes on RNA splicing suggest that this variant is not likely to affect RNA splicing. In summary, the available evidence is currently insufficient to determine the role of this variant in disease. Therefore, it has been classified as a Variant of Uncertain Significance.

Literature cited by the submitters: PubMed 17576681; PubMed 9536098.